The following is an entry in ClinVar:

ClinVar aggregate classification (germline): Likely benign. Review status: criteria provided, single submitter (1 of 4 stars). 2 submissions from 2 submitters: Likely benign (1). 1 of the submissions does not count toward it. Last evaluated 2024-06-01.

Conditions:
FSIP2-related disorder. Also called: FSIP2-related condition.

Allele frequency attached by ClinVar (database versions not stated): gnomAD exomes 0.00371; 1000 Genomes Project 0.00040; 1000 Genomes Project 30x 0.00109.
gnomAD v4.1: 5,550 of 1,517,638 alleles (0.37%); highest among the groups gnomAD compares: Non-Finnish European, 0.42%; 12 homozygotes.

Submissions (2):

CeGaT Center for Human Genetics Tuebingen
Classification: Likely benign. Last evaluated: 2024-06-01. Review status: criteria provided, single submitter. Criteria: CeGaT Center For Human Genetics Tuebingen Variant Classification Criteria Version 2. Collection method: clinical testing. Allele origin: germline. Affected: yes. Observed: 3 variant alleles.
Comment: FSIP2: BP4

PreventionGenetics, part of Exact Sciences
Classification: Benign for FSIP2-related condition. Last evaluated: 2019-08-01. Review status: no assertion criteria provided. Collection method: clinical testing. Allele origin: germline. Not counted in ClinVar's aggregate classification.
Comment: This variant is classified as benign based on ACMG/AMP sequence variant interpretation guidelines (Richards et al. 2015 PMID: 25741868, with internal and published modifications).

NM_173651.4(FSIP2):c.14900A>T (p.Asn4967Ile)

Gene: FSIP2 (fibrous sheath interacting protein 2; plus strand). Cytogenetic location: 2q32.1.
Variant type: single nucleotide variant.
Coding change: c.14900A>T on transcript NM_173651.4 (MANE Select); coding-DNA position 14900, A replaced by T.
Protein change: p.Asn4967Ile; replaces asparagine 4967 with isoleucine.
Molecular consequence: missense variant.
Genome position (GRCh38, 1-based): chr2:185,804,206, A>T. VCF-style: chr2-185804206-A-T. GRCh37 (hg19) VCF-style: chr2-186668933-A-T.
Other names: c.14900A>T (NM_173651.3); short protein forms N4967I.
Identifiers: ClinVar variation 2571112 (VCV002571112.28), dbSNP rs188970608, ClinGen allele CA2017087.